The following is an entry in ClinVar:

ClinVar aggregate classification (germline): Uncertain significance (1 of 4 stars; one submission).

Allele frequency attached by ClinVar (database versions not stated): TOPMed below 0.00001; gnomAD 0.00001.
gnomAD v4.1: 2 of 1,614,120 alleles (0.00012%); highest among the groups gnomAD compares: East Asian, 0.0022%; no homozygotes.

Submission:

Labcorp Genetics (formerly Invitae), Labcorp
Classification: Uncertain significance. Last evaluated: 2020-12-12. Review status: criteria provided, single submitter. Criteria: Invitae Variant Classification Sherloc (09022015). Collection method: clinical testing. Allele origin: germline.
Comment: In summary, the available evidence is currently insufficient to determine the role of this variant in disease. Therefore, it has been classified as a Variant of Uncertain Significance. Algorithms developed to predict the effect of missense changes on protein structure and function (SIFT, PolyPhen-2, Align-GVGD) all suggest that this variant is likely to be tolerated, but these predictions have not been confirmed by published functional studies and their clinical significance is uncertain. This variant has not been reported in the literature in individuals with LRIT3-related conditions. This variant is not present in population databases (ExAC no frequency). This sequence change replaces glutamine with arginine at codon 443 of the LRIT3 protein (p.Gln443Arg). The glutamine residue is weakly conserved and there is a small physicochemical difference between glutamine and arginine.

NM_198506.5(LRIT3):c.1328A>G (p.Gln443Arg)

Gene: LRIT3 (leucine rich repeat, Ig-like and transmembrane domains 3; plus strand). Cytogenetic location: 4q25.
Variant type: single nucleotide variant.
Coding change: c.1328A>G on transcript NM_198506.5 (MANE Select); coding-DNA position 1328, A replaced by G.
Protein change: p.Gln443Arg; replaces glutamine 443 with arginine.
Molecular consequence: missense variant.
Genome position (GRCh38, 1-based): chr4:109,870,077, A>G. VCF-style: chr4-109870077-A-G. GRCh37 (hg19) VCF-style: chr4-110791233-A-G.
Other names: short protein forms Q443R.
Identifiers: ClinVar variation 1472904 (VCV001472904.8), dbSNP rs1324175729, ClinGen allele CA357870753.